The following is an entry in ClinVar:

ClinVar aggregate classification (germline): Uncertain significance. Review status: criteria provided, multiple submitters, no conflicts (2 of 4 stars). 4 submissions from 4 submitters: Uncertain significance (4). Last evaluated 2024-09-26.

Conditions:
Congenital muscular dystrophy due to integrin alpha-7 deficiency. Also called: MYOPATHY, CONGENITAL, DUE TO INTEGRIN ALPHA-7 DEFICIENCY; Congenital muscular dystrophy with integrin alpha-7 deficiency; Muscular dystrophy, congenital, due to ITGA7 deficiency. Identifiers: Orphanet 34520, MedGen C2750786, MONDO:0013177, OMIM 613204.

Allele frequency attached by ClinVar (database versions not stated): gnomAD 0.00003; ExAC 0.00004; TOPMed 0.00005; gnomAD exomes 0.00007; ESP Exome Variant Server 0.00008.
gnomAD v4.1: 111 of 1,613,868 alleles (0.0069%); highest among the groups gnomAD compares: Non-Finnish European, 0.0087%; no homozygotes.

Submissions (4):

Ambry Genetics
Classification: Uncertain significance. Last evaluated: 2024-09-26. Review status: criteria provided, single submitter. Criteria: Ambry Variant Classification Scheme 2023. Collection method: clinical testing. Allele origin: germline.

GeneDx
Classification: Uncertain significance. Last evaluated: 2023-07-07. Review status: criteria provided, single submitter. Criteria: GeneDx Variant Classification Process June 2021. Collection method: clinical testing. Allele origin: germline. Affected: yes.
Comment: Not observed at significant frequency in large population cohorts (gnomAD); In silico analysis supports that this missense variant does not alter protein structure/function; Has not been previously published as pathogenic or benign to our knowledge

Labcorp Genetics (formerly Invitae), Labcorp
Classification: Uncertain significance for Congenital muscular dystrophy due to integrin alpha-7 deficiency. Last evaluated: 2022-07-26. Review status: criteria provided, single submitter. Criteria: Invitae Variant Classification Sherloc (09022015). Collection method: clinical testing. Allele origin: germline.
Comment: This sequence change replaces valine, which is neutral and non-polar, with isoleucine, which is neutral and non-polar, at codon 715 of the ITGA7 protein (p.Val715Ile). This variant is present in population databases (rs369291330, gnomAD 0.006%). This variant has not been reported in the literature in individuals affected with ITGA7-related conditions. Algorithms developed to predict the effect of missense changes on protein structure and function are either unavailable or do not agree on the potential impact of this missense change (SIFT: "Tolerated"; PolyPhen-2: "Possibly Damaging"; Align-GVGD: "Class C0"). In summary, the available evidence is currently insufficient to determine the role of this variant in disease. Therefore, it has been classified as a Variant of Uncertain Significance.

Revvity Omics, Revvity
Classification: Uncertain significance for Congenital muscular dystrophy due to integrin alpha-7 deficiency. Last evaluated: 2019-10-14. Review status: criteria provided, single submitter. Criteria: ACMG Guidelines, 2015. Collection method: clinical testing. Allele origin: germline.

NM_002206.3(ITGA7):c.2143G>A (p.Val715Ile)

Genes: ITGA7 (integrin subunit alpha 7; minus strand), LOC126861535 (CDK7 strongly-dependent group 2 enhancer GRCh37_chr12:56087579-56088778; plus strand). Cytogenetic location: 12q13.2.
Variant type: single nucleotide variant.
Coding change: c.2143G>A on transcript NM_002206.3 (MANE Select); coding-DNA position 2143, G replaced by A.
Protein change: p.Val715Ile; replaces valine 715 with isoleucine.
Molecular consequence: missense variant.
Genome position (GRCh38, 1-based): chr12:55,694,831, C>T on the plus strand (G>A on the coding strand, the complement: ITGA7 is on the minus strand). VCF-style: chr12-55694831-C-T. GRCh37 (hg19) VCF-style: chr12-56088615-C-T.
Other names: c.2143G>A (NM_002206.2); c.2155G>A, p.Val719Ile (NM_001144996.2); c.1864G>A, p.Val622Ile (NM_001144997.2); c.1816G>A, p.Val606Ile (NM_001367993.1); c.799G>A, p.Val267Ile (NM_001367994.1); c.2125G>A, p.Val709Ile (NM_001374465.1); c.2275G>A, p.Val759Ile (NM_001410977.1); c.2137G>A, p.Val713Ile (NM_001414029.1); and 5 more; short protein forms V606I, V709I, V713I, V759I, V602I, V654I, V675I, V267I.
Identifiers: ClinVar variation 1929240 (VCV001929240.7), dbSNP rs369291330, ClinGen allele CA6615730.